The following is an entry in ClinVar:

NM_021023.6(CFHR3):c.797-64G>T

Gene: CFHR3 (complement factor H related 3; plus strand). Cytogenetic location: 1q31.3.
Variant type: single nucleotide variant.
Coding change: c.797-64G>T on transcript NM_021023.6 (MANE Select); 64 bases into the intron before coding-DNA position 797, G replaced by T.
Molecular consequence: intron variant.
Genome position (GRCh38, 1-based): chr1:196,793,253, G>T. VCF-style: chr1-196793253-G-T. GRCh37 (hg19) VCF-style: chr1-196762383-G-T.
Other names: c.614-64G>T (NM_001166624.2).
Identifiers: ClinVar variation 2639691 (VCV002639691.24), dbSNP rs187588824, ClinGen allele CA35837397.

ClinVar aggregate classification (germline): Likely benign (1 of 4 stars; one submission).

Allele frequency attached by ClinVar (database versions not stated): 1000 Genomes Project 30x 0.00031; 1000 Genomes Project 0.00040; gnomAD 0.00250; gnomAD exomes 0.00256.
gnomAD v4.1: 3,422 of 1,337,010 alleles (0.26%); highest among the groups gnomAD compares: Non-Finnish European, 0.27%; 419 homozygotes.

Submission:

CeGaT Center for Human Genetics Tuebingen
Classification: Likely benign. Last evaluated: 2024-05-01. Review status: criteria provided, single submitter. Criteria: CeGaT Center For Human Genetics Tuebingen Variant Classification Criteria Version 2. Collection method: clinical testing. Allele origin: germline. Affected: yes. Observed: 3 variant alleles.
Comment: CFHR3: BS2